The following is an entry in ClinVar:

ClinVar aggregate classification (germline): Likely pathogenic (1 of 4 stars; one submission).

Conditions:
Hearing loss, autosomal recessive 106. Also called: DEAFNESS, AUTOSOMAL RECESSIVE 106. Identifiers: MedGen C4539954, MONDO:0033198, OMIM 617637.

Submission:

Institute of Rare Diseases, West China Hospital, Sichuan University
Classification: Likely pathogenic for Hearing loss, autosomal recessive 106. Last evaluated: 2025-01-09. Review status: criteria provided, single submitter. Criteria: ClinGen HL ACMG Specifications v1. Collection method: research. Allele origin: germline. Affected: yes.
Comment: PVS1;PM2_Supporting

NM_022772.4(EPS8L2):c.357_361dup (p.Gln121fs)

Gene: EPS8L2 (EPS8 signaling adaptor L2; plus strand). Cytogenetic location: 11p15.5.
Variant type: Duplication.
Coding change: c.357_361dup on transcript NM_022772.4 (MANE Select); coding-DNA positions 357 to 361, 5 bases duplicated (GGTGC; older notation c.357_361dupGGTGC).
Protein change: p.Gln121fs; shifts the reading frame from glutamine 121.
Molecular consequence: frameshift variant.
Genome position (GRCh38, 1-based): chr11:720,626-720,630, GGTGC duplicated; duplicating any 5 consecutive bases within chr11:720,625-720,630 gives the same sequence; the c. name uses the placement nearest the transcript's 3' end. VCF-style (leftmost placement, unchanged base first): chr11-720624-A-ACGGTG. GRCh37 (hg19) VCF-style: chr11-720624-A-ACGGTG.
Other names: c.357_361dupGGTGC (NM_022772.4); short protein forms Q121fs.
Identifiers: ClinVar variation 3601080 (VCV003601080.1).